The following is an entry in ClinVar:

NM_003660.4(PPFIA3):c.1711C>T (p.Pro571Ser)

Gene: PPFIA3 (PPFI scaffold protein A3; plus strand). Cytogenetic location: 19q13.33.
Variant type: single nucleotide variant.
Coding change: c.1711C>T on transcript NM_003660.4 (MANE Select); coding-DNA position 1711, C replaced by T.
Protein change: p.Pro571Ser; replaces proline 571 with serine.
Molecular consequence: missense variant. On other transcripts: non-coding transcript variant (1).
Genome position (GRCh38, 1-based): chr19:49,136,769, C>T. VCF-style: chr19-49136769-C-T. GRCh37 (hg19) VCF-style: chr19-49640026-C-T.
Other names: short protein forms P571S.
Identifiers: ClinVar variation 4721525 (VCV004721525.1).

ClinVar aggregate classification (germline): Uncertain significance (1 of 4 stars; one submission).

Submission:

Labcorp Genetics (formerly Invitae), Labcorp
Classification: Uncertain significance. Last evaluated: 2025-06-16. Review status: criteria provided, single submitter. Criteria: Invitae Variant Classification Sherloc (09022015). Collection method: clinical testing. Allele origin: germline.
Comment: This sequence change replaces proline, which is neutral and non-polar, with serine, which is neutral and polar, at codon 571 of the PPFIA3 protein (p.Pro571Ser). This variant is not present in population databases (gnomAD no frequency). This variant has not been reported in the literature in individuals affected with PPFIA3-related conditions. An algorithm developed to predict the effect of missense changes on protein structure and function (PolyPhen-2) suggests that this variant is likely to be tolerated. In summary, the available evidence is currently insufficient to determine the role of this variant in disease. Therefore, it has been classified as a Variant of Uncertain Significance.